The following is an entry in ClinVar:

ClinVar aggregate classification (germline): Uncertain significance (1 of 4 stars; one submission).

Conditions:
Koolen-de Vries syndrome (KDVS). Identifiers: Orphanet 96169, MedGen C1864871, MONDO:0012496, OMIM 610443.

Submission:

Labcorp Genetics (formerly Invitae), Labcorp
Classification: Uncertain significance for Koolen-de Vries syndrome. Last evaluated: 2020-03-05. Review status: criteria provided, single submitter. Criteria: Invitae Variant Classification Sherloc (09022015). Collection method: clinical testing. Allele origin: germline.
Comment: This sequence change replaces serine with asparagine at codon 678 of the KANSL1 protein (p.Ser678Asn). The serine residue is highly conserved and there is a small physicochemical difference between serine and asparagine. This variant is not present in population databases (ExAC no frequency). This variant has not been reported in the literature in individuals with KANSL1-related disease. Algorithms developed to predict the effect of missense changes on protein structure and function (SIFT, PolyPhen-2, Align-GVGD) all suggest that this variant is likely to be tolerated, but these predictions have not been confirmed by published functional studies and their clinical significance is uncertain. In summary, the available evidence is currently insufficient to determine the role of this variant in disease. Therefore, it has been classified as a Variant of Uncertain Significance.

NM_015443.4(KANSL1):c.2033G>A (p.Ser678Asn)

Gene: KANSL1 (KAT8 regulatory NSL complex subunit 1). Cytogenetic location: 17q21.31.
Variant type: single nucleotide variant.
Coding change: c.2033G>A on transcript NM_015443.4 (MANE Select); coding-DNA position 2033, G replaced by A.
Protein change: p.Ser678Asn; replaces serine 678 with asparagine.
Molecular consequence: missense variant.
Genome position (GRCh38, 1-based): chr17:46,039,872, C>T on the plus strand (G>A on the coding strand, the complement: KANSL1 is on the minus strand). VCF-style: chr17-46039872-C-T. GRCh37 (hg19) VCF-style: chr17-44117238-C-T.
Other names: c.2033G>A, p.Ser678Asn (NM_001193465.2, NM_001193466.2, NM_001379198.1); short protein forms S678N.
Identifiers: ClinVar variation 536291 (VCV000536291.8), dbSNP rs1555734253, ClinGen allele CA399982792.